The following is an entry in ClinVar:

ClinVar aggregate classification (germline): Conflicting classifications of pathogenicity. Review status: criteria provided, conflicting classifications (1 of 4 stars). 2 submissions from 2 submitters: Uncertain significance (1); Likely benign (1). Last evaluated 2024-08-19.

Allele frequency attached by ClinVar (database versions not stated): ExAC 0.00001; TOPMed 0.00003; gnomAD 0.00007 and 0.00011.

Submissions (2):

Blueprint Genetics
Classification: Uncertain significance. Last evaluated: 2024-08-19. Review status: criteria provided, single submitter. Criteria: ACMG Guidelines, 2015. Collection method: clinical testing. Allele origin: germline.

GeneDx
Classification: Likely benign. Last evaluated: 2021-06-15. Review status: criteria provided, single submitter. Criteria: GeneDx Variant Classification Process June 2021. Collection method: clinical testing. Allele origin: germline. Affected: yes.
Comment: This variant is associated with the following publications: (PMID: 27535533)

NM_032229.3(SLITRK6):c.2398A>G (p.Met800Val)

Gene: SLITRK6 (SLIT and NTRK like family member 6; minus strand). Cytogenetic location: 13q31.1.
Variant type: single nucleotide variant.
Coding change: c.2398A>G on transcript NM_032229.3 (MANE Select); coding-DNA position 2398, A replaced by G.
Protein change: p.Met800Val; replaces methionine 800 with valine.
Molecular consequence: missense variant.
Genome position (GRCh38, 1-based): chr13:85,794,111, T>C on the plus strand (A>G on the coding strand, the complement: SLITRK6 is on the minus strand). VCF-style: chr13-85794111-T-C. GRCh37 (hg19) VCF-style: chr13-86368246-T-C.
Other names: short protein forms M800V.
Identifiers: ClinVar variation 1204621 (VCV001204621.4), dbSNP rs768073767, ClinGen allele CA7014907.